The following is an entry in ClinVar:

NM_000218.3(KCNQ1):c.1393+25378A>G

Genes: KCNQ1 (potassium voltage-gated channel subfamily Q member 1; plus strand), KCNQ1OT1 (KCNQ1 opposite strand/antisense transcript 1; minus strand). Cytogenetic location: 11p15.5.
Variant type: single nucleotide variant.
Coding change: c.1393+25378A>G on transcript NM_000218.3 (MANE Select); 25378 bases into the intron after coding-DNA position 1393, A replaced by G.
Molecular consequence: intron variant.
Genome position (GRCh38, 1-based): chr11:2,614,232, A>G. VCF-style: chr11-2614232-A-G. GRCh37 (hg19) VCF-style: chr11-2635462-A-G.
Other names: c.1123+25378A>G (NM_001406837.1); c.1297+25378A>G (NM_001406836.1); c.853+25378A>G (NM_001406838.1); c.1012+25378A>G (NM_181798.2).
Identifiers: ClinVar variation 1879158 (VCV001879158.29), dbSNP rs543426353, ClinGen allele CA216358683.

ClinVar aggregate classification (germline): Likely benign (1 of 4 stars; one submission).

Allele frequency attached by ClinVar (database versions not stated): gnomAD exomes 0.00023; TOPMed 0.00028; gnomAD 0.00040; 1000 Genomes Project 0.00060; 1000 Genomes Project 30x 0.00062.
gnomAD v4.1: 128 of 398,582 alleles (0.032%); highest among the groups gnomAD compares: Middle Eastern, 0.31%; 1 homozygote.

Submission:

CeGaT Center for Human Genetics Tuebingen
Classification: Likely benign. Last evaluated: 2026-06-01. Review status: criteria provided, single submitter. Criteria: CeGaT Center For Human Genetics Tuebingen Variant Classification Criteria Version 2. Collection method: clinical testing. Allele origin: germline. Affected: yes. Observed: 7 variant alleles.
Comment: KCNQ1OT1: BS1